The following is an entry in ClinVar:

ClinVar aggregate classification (germline): Uncertain significance (1 of 4 stars; one submission).

Conditions:
Familial Mediterranean fever (FMF). Also called: POLYSEROSITIS, FAMILIAL PAROXYSMAL; POLYSEROSITIS, RECURRENT; Periodic peritonitis; Benign paroxysmal peritonitis. Identifiers: Orphanet 342, MedGen C0031069, MONDO:0018088, OMIM 249100. Disease mechanism: gain of function.

Submission:

Labcorp Genetics (formerly Invitae), Labcorp
Classification: Uncertain significance for Familial Mediterranean fever. Last evaluated: 2019-04-26. Review status: criteria provided, single submitter. Criteria: Invitae Variant Classification Sherloc (09022015). Collection method: clinical testing. Allele origin: germline.
Comment: This sequence change replaces glycine with arginine at codon 152 of the MEFV protein (p.Gly152Arg). The glycine residue is moderately conserved and there is a moderate physicochemical difference between glycine and arginine. This variant is not present in population databases (ExAC no frequency). This variant has not been reported in the literature in individuals with MEFV-related conditions. Algorithms developed to predict the effect of missense changes on protein structure and function are either unavailable or do not agree on the potential impact of this missense change (SIFT: "Deleterious"; PolyPhen-2: "Probably Damaging"; Align-GVGD: "Class C0"). In summary, the available evidence is currently insufficient to determine the role of this variant in disease. Therefore, it has been classified as a Variant of Uncertain Significance.

NM_000243.3(MEFV):c.454G>C (p.Gly152Arg)

Gene: MEFV (MEFV innate immunity regulator, pyrin; minus strand). Cytogenetic location: 16p13.3.
Variant type: single nucleotide variant.
Coding change: c.454G>C on transcript NM_000243.3 (MANE Select); coding-DNA position 454, G replaced by C.
Protein change: p.Gly152Arg; replaces glycine 152 with arginine.
Molecular consequence: missense variant. On other transcripts: intron variant (1).
Genome position (GRCh38, 1-based): chr16:3,254,614, C>G on the plus strand (G>C on the coding strand, the complement: MEFV is on the minus strand). VCF-style: chr16-3254614-C-G. GRCh37 (hg19) VCF-style: chr16-3304614-C-G.
Other names: c.277+1697G>C (NM_001198536.2); short protein forms G152R.
Identifiers: ClinVar variation 950248 (VCV000950248.9), dbSNP rs1266119651, ClinGen allele CA394481420.